The following is an entry in ClinVar:

ClinVar aggregate classification (germline): Pathogenic (1 of 4 stars; one submission).

Conditions:
Medium-chain acyl-coenzyme A dehydrogenase deficiency (ACADMD). Also called: ACADM DEFICIENCY; CARNITINE DEFICIENCY SECONDARY TO MEDIUM-CHAIN ACYL-CoA DEHYDROGENASE DEFICIENCY; MCADH DEFICIENCY; MCADD; Medium chain acyl-CoA dehydrogenase deficiency; MCAD Deficiency. Identifiers: Orphanet 42, MedGen C0220710, MONDO:0008721, OMIM 201450.

Submission:

Myriad Genetics, Inc.
Classification: Pathogenic for Medium-chain acyl-coenzyme A dehydrogenase deficiency. Last evaluated: 2024-10-21. Review status: criteria provided, single submitter. Criteria: Myriad Autosomal Dominant, Autosomal Recessive and X-Linked Classification Criteria (2023). Collection method: clinical testing. Allele origin: unknown.
Comment: NM_000016.4(ACADM):c.59G>A(W20*) is expected to be pathogenic in the context of medium-chain acyl-CoA dehydrogenase deficiency. This variant is predicted to lead to an abnormal or absent protein product due to the creation of a premature termination codon in ACADM, a gene where loss-of-function variants are known to be pathogenic. Please note: this variant was assessed in the context of healthy population screening.

NM_000016.6(ACADM):c.59G>A (p.Trp20Ter)

Gene: ACADM (acyl-CoA dehydrogenase medium chain; plus strand). Cytogenetic location: 1p31.1.
Variant type: single nucleotide variant.
Coding change: c.59G>A on transcript NM_000016.6 (MANE Select); coding-DNA position 59, G replaced by A.
Protein change: p.Trp20Ter; replaces tryptophan 20 with a stop codon.
Molecular consequence: nonsense. On other transcripts: intron variant (2).
Genome position (GRCh38, 1-based): chr1:75,728,429, G>A. VCF-style: chr1-75728429-G-A. GRCh37 (hg19) VCF-style: chr1-76194114-G-A.
Other names: c.71G>A, p.Trp24Ter (NM_001127328.3); c.59G>A, p.Trp20Ter (NM_001286043.2); c.10+3612G>A (NM_001286042.2); c.-268+3612G>A (NM_001286044.2); short protein forms W20*, W24*.
Identifiers: ClinVar variation 5010374 (VCV005010374.1).